The following is an entry in ClinVar:

ClinVar aggregate classification (germline): Uncertain significance (1 of 4 stars; one submission).

Allele frequency attached by ClinVar (database versions not stated): gnomAD exomes below 0.00001; TOPMed 0.00001; ESP Exome Variant Server 0.00008.
gnomAD v4.1: 5 of 1,614,140 alleles (0.00031%); highest among the groups gnomAD compares: African/African-American, 0.004%; no homozygotes.

Submission:

Labcorp Genetics (formerly Invitae), Labcorp
Classification: Uncertain significance. Last evaluated: 2022-08-16. Review status: criteria provided, single submitter. Criteria: Invitae Variant Classification Sherloc (09022015). Collection method: clinical testing. Allele origin: germline.
Comment: This sequence change replaces asparagine, which is neutral and polar, with serine, which is neutral and polar, at codon 3768 of the LRP2 protein (p.Asn3768Ser). This variant has not been reported in the literature in individuals affected with LRP2-related conditions. This variant is present in population databases (rs150553333, gnomAD 0.003%). In summary, the available evidence is currently insufficient to determine the role of this variant in disease. Therefore, it has been classified as a Variant of Uncertain Significance. ClinVar contains an entry for this variant (Variation ID: 1525710). Advanced modeling of protein sequence and biophysical properties (such as structural, functional, and spatial information, amino acid conservation, physicochemical variation, residue mobility, and thermodynamic stability) performed at Invitae indicates that this missense variant is not expected to disrupt LRP2 protein function.

NM_004525.3(LRP2):c.11303A>G (p.Asn3768Ser)

Gene: LRP2 (LDL receptor related protein 2; minus strand). Cytogenetic location: 2q31.1.
Variant type: single nucleotide variant.
Coding change: c.11303A>G on transcript NM_004525.3 (MANE Select); coding-DNA position 11303, A replaced by G.
Protein change: p.Asn3768Ser; replaces asparagine 3768 with serine.
Molecular consequence: missense variant.
Genome position (GRCh38, 1-based): chr2:169,170,628, T>C on the plus strand (A>G on the coding strand, the complement: LRP2 is on the minus strand). VCF-style: chr2-169170628-T-C. GRCh37 (hg19) VCF-style: chr2-170027138-T-C.
Other names: short protein forms N3768S.
Identifiers: ClinVar variation 1525710 (VCV001525710.6), dbSNP rs150553333, ClinGen allele CA59908040.
Genomic context (GRCh38, chr2:169,170,628, plus strand): 5'-GAGTTGTCCCCACAGTCGTTGTAATGGTCACAGATCCATCGCGAGGGAATGCACTGCTGA[T>C]TGACACATCGAAACTCGCTCTCTGTGCACTCCCGGGGAGCTGGAAAGGAAAGGCACCTGG-3'
Protein context (NP_004516.2, residues 3758-3778): ECTESEFRCV[Asn3768Ser]QQCIPSRWIC